The following is an entry in ClinVar:

ClinVar aggregate classification (germline): Uncertain significance. Review status: criteria provided, multiple submitters, no conflicts (2 of 4 stars). 6 submissions from 6 submitters: Uncertain significance (5). 1 of the submissions does not count toward it. Last evaluated 2026-03-03.

Conditions:
Autosomal recessive retinitis pigmentosa. Identifiers: MedGen C0339526.
Retinitis pigmentosa 25 (RP25). Identifiers: Orphanet 791, MedGen C1864446, MONDO:0011272, OMIM 602772.
Inborn genetic diseases. Identifiers: MedGen C0950123, MeSH D030342.

Allele frequency attached by ClinVar (database versions not stated): gnomAD 0.00001; TOPMed 0.00004; gnomAD exomes 0.00006; ExAC 0.00010.
gnomAD v4.1: 79 of 1,543,752 alleles (0.0051%); highest among the groups gnomAD compares: Middle Eastern, 0.017%; no homozygotes.

Submissions (6):

Ambry Genetics
Classification: Uncertain significance for Inborn genetic diseases. Last evaluated: 2026-03-03. Review status: criteria provided, single submitter. Criteria: Ambry Variant Classification Scheme 2023. Collection method: clinical testing. Allele origin: germline.

Labcorp Genetics (formerly Invitae), Labcorp
Classification: Uncertain significance. Last evaluated: 2024-11-08. Review status: criteria provided, single submitter. Criteria: Invitae Variant Classification Sherloc (09022015). Collection method: clinical testing. Allele origin: germline.
Comment: This sequence change replaces asparagine, which is neutral and polar, with serine, which is neutral and polar, at codon 1992 of the EYS protein (p.Asn1992Ser). This variant is present in population databases (rs762475623, gnomAD 0.01%). This variant has not been reported in the literature in individuals affected with EYS-related conditions. ClinVar contains an entry for this variant (Variation ID: 992116). Invitae Evidence Modeling of protein sequence and biophysical properties (such as structural, functional, and spatial information, amino acid conservation, physicochemical variation, residue mobility, and thermodynamic stability) indicates that this missense variant is not expected to disrupt EYS protein function with a negative predictive value of 80%. In summary, the available evidence is currently insufficient to determine the role of this variant in disease. Therefore, it has been classified as a Variant of Uncertain Significance.

Blueprint Genetics
Classification: Uncertain significance. Last evaluated: 2024-10-31. Review status: criteria provided, single submitter. Criteria: ACMG Guidelines, 2015. Collection method: clinical testing. Allele origin: germline.

CeGaT Center for Human Genetics Tuebingen
Classification: Uncertain significance. Last evaluated: 2024-07-01. Review status: criteria provided, single submitter. Criteria: CeGaT Center For Human Genetics Tuebingen Variant Classification Criteria Version 2. Collection method: clinical testing. Allele origin: germline. Affected: yes. Observed: 1 variant allele.
Comment: EYS: PM2, BP4

Fulgent Genetics
Classification: Uncertain significance for Retinitis pigmentosa 25. Last evaluated: 2022-05-10. Review status: criteria provided, single submitter. Criteria: ACMG Guidelines, 2015. Collection method: clinical testing. Allele origin: unknown.

Natera, Inc.
Classification: Uncertain significance for Autosomal recessive retinitis pigmentosa. Last evaluated: 2020-09-18. Review status: no assertion criteria provided. Collection method: clinical testing. Allele origin: germline. Not counted in ClinVar's aggregate classification.

NM_001142800.2(EYS):c.5975A>G (p.Asn1992Ser)

Gene: EYS (EGF-like photoreceptor maintenance factor; minus strand). Cytogenetic location: 6q12.
Variant type: single nucleotide variant.
Coding change: c.5975A>G on transcript NM_001142800.2 (MANE Select); coding-DNA position 5975, A replaced by G.
Protein change: p.Asn1992Ser; replaces asparagine 1992 with serine.
Molecular consequence: missense variant.
Genome position (GRCh38, 1-based): chr6:64,388,793, T>C on the plus strand (A>G on the coding strand, the complement: EYS is on the minus strand). VCF-style: chr6-64388793-T-C. GRCh37 (hg19) VCF-style: chr6-65098686-T-C.
Other names: c.5975A>G (NM_001142800.1); c.5975A>G, p.Asn1992Ser (NM_001292009.2); short protein forms N1992S.
Identifiers: ClinVar variation 992116 (VCV000992116.22), dbSNP rs762475623, ClinGen allele CA3876958.
Genomic context (GRCh38, chr6:64,388,793, plus strand): 5'-GATCCTGATTTTGGCAGGGGTTTTCCGAGTACATGATTGATAGATTCGCATATTTGTGTA[T>C]TCCTCCCTAAAATAGTCAGCTCAGCGTTACATGGATCCAATTCTTGCCTGTAACCATTTA-3'
Protein context (NP_001136272.1, residues 1982-2002): CNAELTILGR[Asn1992Ser]TQICESINHV